The following is an entry in ClinVar:

ClinVar aggregate classification (germline): Conflicting classifications of pathogenicity. Review status: criteria provided, conflicting classifications (1 of 4 stars). 2 submissions from 2 submitters: Pathogenic (1); Uncertain significance (1). Last evaluated 2025-08-21.

Conditions:
Charcot-Marie-Tooth disease type 2. Also called: Charcot-Marie-Tooth type 2. Identifiers: Orphanet 64746, MedGen C0270914, MONDO:0018993.

Submissions (2):

Labcorp Genetics (formerly Invitae), Labcorp
Classification: Pathogenic for Charcot-Marie-Tooth disease type 2. Last evaluated: 2025-08-21. Review status: criteria provided, single submitter. Criteria: Invitae Variant Classification Sherloc (09022015). Collection method: clinical testing. Allele origin: germline.
Comment: This sequence change replaces proline, which is neutral and non-polar, with arginine, which is basic and polar, at codon 336 of the GARS protein (p.Pro336Arg). This variant is not present in population databases (gnomAD no frequency). This missense change has been observed in individual(s) with congenital hypomyelinating polyneuropathy (internal data). In at least one individual the variant was observed to be de novo. ClinVar contains an entry for this variant (Variation ID: 1067545). Invitae Evidence Modeling of protein sequence and biophysical properties (such as structural, functional, and spatial information, amino acid conservation, physicochemical variation, residue mobility, and thermodynamic stability) indicates that this missense variant is expected to disrupt GARS protein function with a positive predictive value of 95%. Experimental studies have shown that this missense change affects GARS function (PMID: 35332613). For these reasons, this variant has been classified as Pathogenic.

GeneDx
Classification: Uncertain significance. Last evaluated: 2020-07-08. Review status: criteria provided, single submitter. Criteria: GeneDx Variant Classification Process June 2021. Collection method: clinical testing. Allele origin: germline. Affected: yes.
Comment: Not observed in large population cohorts (Lek et al., 2016); In silico analysis supports that this missense variant has a deleterious effect on protein structure/function; Has not been previously published as pathogenic or benign to our knowledge

Literature cited by the submitters: PubMed 35332613 (cited by Labcorp Genetics (formerly Invitae), Labcorp).

NM_002047.4(GARS1):c.1007C>G (p.Pro336Arg)

Gene: GARS1 (glycyl-tRNA synthetase 1; plus strand). Cytogenetic location: 7p14.3.
Variant type: single nucleotide variant.
Coding change: c.1007C>G on transcript NM_002047.4 (MANE Select); coding-DNA position 1007, C replaced by G.
Protein change: p.Pro336Arg; replaces proline 336 with arginine.
Molecular consequence: missense variant.
Genome position (GRCh38, 1-based): chr7:30,612,221, C>G. VCF-style: chr7-30612221-C-G. GRCh37 (hg19) VCF-style: chr7-30651837-C-G.
Other names: c.845C>G, p.Pro282Arg (NM_001316772.1); short protein forms P282R, P336R.
Identifiers: ClinVar variation 1067545 (VCV001067545.10), dbSNP rs2128134025, ClinGen allele CA367125547.